The following is an entry in ClinVar:

NM_004380.3(CREBBP):c.4477A>T (p.Ile1493Leu)

Gene: CREBBP (CREB binding lysine acetyltransferase; minus strand). Cytogenetic location: 16p13.3.
Variant type: single nucleotide variant.
Coding change: c.4477A>T on transcript NM_004380.3 (MANE Select); coding-DNA position 4477, A replaced by T.
Protein change: p.Ile1493Leu; replaces isoleucine 1493 with leucine.
Molecular consequence: missense variant.
Genome position (GRCh38, 1-based): chr16:3,736,733, T>A on the plus strand (A>T on the coding strand, the complement: CREBBP is on the minus strand). VCF-style: chr16-3736733-T-A. GRCh37 (hg19) VCF-style: chr16-3786734-T-A.
Other names: c.4363A>T, p.Ile1455Leu (NM_001079846.1); short protein forms I1455L, I1493L.
Identifiers: ClinVar variation 4995807 (VCV004995807.1).

ClinVar aggregate classification (germline): Uncertain significance (1 of 4 stars; one submission).

Conditions:
CREBBP-related disorder. Also called: CREBBP-related disorders; CREBBP-related condition.

Submission:

PreventionGenetics, part of Exact Sciences
Classification: Uncertain significance for CREBBP-related condition. Last evaluated: 2026-09-07. Review status: criteria provided, single submitter. Criteria: ACMG Guidelines, 2015. Collection method: clinical testing. Allele origin: germline.
Comment: The CREBBP c.4477A>T variant is predicted to result in the amino acid substitution p.Ile1493Leu. To our knowledge, this variant has not been reported in the literature or in a large population database (gnomAD), indicating this variant is rare. At this time, the clinical significance of this variant is uncertain due to the absence of conclusive functional and genetic evidence.